The following is an entry in ClinVar:

NM_000133.4(F9):c.1148T>C (p.Leu383Pro)

Gene: F9 (coagulation factor IX; plus strand). Cytogenetic location: Xq27.1.
Variant type: single nucleotide variant.
Coding change: c.1148T>C on transcript NM_000133.4 (MANE Select); coding-DNA position 1148, T replaced by C.
Protein change: p.Leu383Pro; replaces leucine 383 with proline.
Molecular consequence: missense variant.
Genome position (GRCh38, 1-based): chrX:139,561,833, T>C. VCF-style: chrX-139561833-T-C. GRCh37 (hg19) VCF-style: chrX-138643992-T-C.
Other names: c.1034T>C, p.Leu345Pro (NM_001313913.2); short protein forms L383P, L345P.
Identifiers: ClinVar variation 573753 (VCV000573753.12), dbSNP rs1387119011, ClinGen allele CA414446185.
Genomic context (GRCh38, chrX:139,561,833, plus strand): 5'-GGAGATCAGCTTTAGTTCTTCAGTACCTTAGAGTTCCACTTGTTGACCGAGCCACATGTC[T>C]TCGATCTACAAAGTTCACCATCTATAACAACATGTTCTGTGCTGGCTTCCATGAAGGAGG-3'
Protein context (NP_000124.1, residues 373-393): RVPLVDRATC[Leu383Pro]RSTKFTIYNN

ClinVar aggregate classification (germline): Uncertain significance. Review status: criteria provided, multiple submitters, no conflicts (2 of 4 stars). 3 submissions from 3 submitters: Uncertain significance (3). Last evaluated 2024-12-18.

Conditions:
Thrombophilia, X-linked, due to factor 9 defect. Identifiers: MedGen C2749016, MONDO:0010432, OMIM 300807.
Hereditary factor IX deficiency disease (HEMB). Also called: F9 DEFICIENCY; FACTOR IX DEFICIENCY; Christmas Disease; PLASMA THROMBOPLASTIN COMPONENT DEFICIENCY; Hemophilia B. Identifiers: Orphanet 98879, MedGen C0008533, MeSH D002836, MONDO:0010604, OMIM 306900.

Allele frequency attached by ClinVar (database versions not stated): TOPMed 0.00001.

Submissions (3):

GeneDx
Classification: Uncertain significance. Last evaluated: 2024-12-18. Review status: criteria provided, single submitter. Criteria: GeneDx Variant Classification Process June 2021. Collection method: clinical testing. Allele origin: germline. Affected: yes.
Comment: Not observed at significant frequency in large population cohorts (gnomAD); In silico analysis indicates that this missense variant does not alter protein structure/function; This variant is associated with the following publications: (PMID: 8594556, 8825645)

Women's Health and Genetics/Laboratory Corporation of America, LabCorp
Classification: Uncertain significance. Last evaluated: 2023-01-10. Review status: criteria provided, single submitter. Criteria: LabCorp Variant Classification Summary - May 2015. Collection method: clinical testing. Allele origin: germline.
Comment: Variant summary: F9 c.1148T>C (p.Leu383Pro) results in a non-conservative amino acid change located in the Serine proteases, trypsin domain (IPR001254) of the encoded protein sequence. Five of five in-silico tools predict a damaging effect of the variant on protein function. The variant was absent in 183276 control chromosomes. The available data on variant occurrences in the general population are insufficient to allow any conclusion about variant significance. To our knowledge, no occurrence of c.1148T>C in individuals affected with Factor IX Deficiency (Hemophilia B) and no experimental evidence demonstrating its impact on protein function have been reported although this variant is reportedly present in the haemophilia B database (Giannelli_1996). One clinical diagnostic laboratory has submitted clinical-significance assessments for this variant to ClinVar after 2014 without evidence for independent evaluation and classified the variant as uncertain significance. Based on the evidence outlined above, the variant was classified as uncertain significance.

Labcorp Genetics (formerly Invitae), Labcorp
Classification: Uncertain significance for Thrombophilia, X-linked, due to factor 9 defect; Hereditary factor IX deficiency disease. Last evaluated: 2018-06-23. Review status: criteria provided, single submitter. Criteria: Invitae Variant Classification Sherloc (09022015). Collection method: clinical testing. Allele origin: germline.
Comment: This sequence change replaces leucine with proline at codon 383 of the F9 protein (p.Leu383Pro). The leucine residue is moderately conserved and there is a moderate physicochemical difference between leucine and proline. This variant is not present in population databases (ExAC no frequency). In summary, the available evidence is currently insufficient to determine the role of this variant in disease. Therefore, it has been classified as a Variant of Uncertain Significance. Variants that disrupt the Leu383 (also known as Leu337) amino acid residue in F9 have been observed in affected individuals (PMID: 23913812, 22639855, 19699296, 23617593). This suggests that it is a clinically significant residue, and that variants that disrupt this residue are likely to be causative of disease. Algorithms developed to predict the effect of missense changes on protein structure and function are either unavailable or do not agree on the potential impact of this missense change (SIFT: "Tolerated"; PolyPhen-2: "Probably Damaging"; Align-GVGD: "Class C15"). This variant has been reported in an individual in the Factor IX Gene Variant Database (PMID: 23617593). This variant is also known as T31131C and Leu337Pro in the literature.

Literature cited by the submitters: PubMed 8594556 (cited by Women's Health and Genetics/Laboratory Corporation of America, LabCorp); PubMed 23913812 (cited by Labcorp Genetics (formerly Invitae), Labcorp); PubMed 22639855 (cited by Labcorp Genetics (formerly Invitae), Labcorp); PubMed 19699296 (cited by Labcorp Genetics (formerly Invitae), Labcorp); PubMed 23617593 (cited by Labcorp Genetics (formerly Invitae), Labcorp).